The following is an entry in ClinVar:

NM_000238.4(KCNH2):c.3095_3107dup (p.Asp1037fs)

Gene: KCNH2 (potassium voltage-gated channel subfamily H member 2; minus strand). Cytogenetic location: 7q36.1.
Variant type: Duplication.
Coding change: c.3095_3107dup on transcript NM_000238.4 (MANE Select); coding-DNA positions 3095 to 3107, 13 bases duplicated (GGCGGCCCCGGGG).
Protein change: p.Asp1037fs; shifts the reading frame from aspartic acid 1037.
Molecular consequence: frameshift variant.
Genome position (GRCh38, 1-based): chr7:150,947,373-150,947,385, CCCCGGGGCCGCC duplicated on the plus strand (GGCGGCCCCGGGG on the coding strand, the reverse complement: KCNH2 is on the minus strand). VCF-style (leftmost placement, unchanged base first): chr7-150947372-G-GCCCCGGGGCCGCC. GRCh37 (hg19) VCF-style: chr7-150644460-G-GCCCCGGGGCCGCC.
Other names: c.2075_2087dup, p.Asp697fs (NM_172057.3); short protein forms D1037fs, D697fs.
Identifiers: ClinVar variation 523953 (VCV000523953.2), dbSNP rs1554424060, ClinGen allele CA658797028.

ClinVar aggregate classification (germline): Pathogenic (1 of 4 stars; one submission).

Submission:

GeneDx
Classification: Pathogenic. Last evaluated: 2018-03-23. Review status: criteria provided, single submitter. Criteria: GeneDx Variant Classification (06012015). Collection method: clinical testing. Allele origin: germline. Affected: yes.
Comment: Although the c.3095_3107dup13 pathogenic variant in the KCNH2 gene has not been reported to our knowledge, this variant causes a shift in reading frame starting at codon aspartic acid 1037, changing it to an alanine, and creating a premature stop codon at position 86 of the new reading frame, denoted p.Asp1037AlafsX86. This pathogenic variant is expected to result in a truncated protein product where the last 123 amino acids are replaced by 85 incorrect ones. Other pathogenic frameshift variants including one at a similar position (c.3107dupG) have been reported in association with LQTS (Stenson et al., 2014). Furthermore, the c.3095_3107dup13 variant has not been observed in large population cohorts (Lek et al., 2016).